The following is an entry in ClinVar:

NM_032119.4(ADGRV1):c.243A>T (p.Thr81=)

Gene: ADGRV1 (adhesion G protein-coupled receptor V1; plus strand). Cytogenetic location: 5q14.3.
Variant type: single nucleotide variant.
Coding change: c.243A>T on transcript NM_032119.4 (MANE Select); coding-DNA position 243, A replaced by T.
Protein change: p.Thr81=; no amino-acid change (threonine 81 retained).
Molecular consequence: synonymous variant. On other transcripts: non-coding transcript variant (1).
Genome position (GRCh38, 1-based): chr5:90,617,839, A>T. VCF-style: chr5-90617839-A-T. GRCh37 (hg19) VCF-style: chr5-89913656-A-T.
Identifiers: ClinVar variation 666639 (VCV000666639.15), dbSNP rs376660492, ClinGen allele CA3338425.

ClinVar aggregate classification (germline): Likely benign. Review status: criteria provided, multiple submitters, no conflicts (2 of 4 stars). 3 submissions from 3 submitters: Likely benign (3). Last evaluated 2026-01-20.

Allele frequency attached by ClinVar (database versions not stated): gnomAD exomes 0.00001 and 0.00002; ExAC 0.00006; gnomAD 0.00006; TOPMed 0.00011; 1000 Genomes Project 30x 0.00016; ESP Exome Variant Server 0.00016; 1000 Genomes Project 0.00020.
gnomAD v4.1: 20 of 1,599,558 alleles (0.0013%); highest among the groups gnomAD compares: African/African-American, 0.025%; no homozygotes.

Submissions (3):

Labcorp Genetics (formerly Invitae), Labcorp
Classification: Likely benign. Last evaluated: 2026-01-20. Review status: criteria provided, single submitter. Criteria: Invitae Variant Classification Sherloc (09022015). Collection method: clinical testing. Allele origin: germline.

Blueprint Genetics
Classification: Likely benign. Last evaluated: 2023-03-31. Review status: criteria provided, single submitter. Criteria: ACMG Guidelines, 2015. Collection method: clinical testing. Allele origin: germline.

Laboratory for Molecular Medicine, Mass General Brigham Personalized Medicine
Classification: Likely benign. Last evaluated: 2012-04-30. Review status: criteria provided, single submitter. Criteria: LMM Criteria. Collection method: clinical testing. Allele origin: germline. Observed: 1 variant allele.
Comment: Thr81Thr in Exon 03 of GPR98: This variant is not expected to have clinical sign ificance because it does not alter an amino acid residue, is not located within the splice consensus sequence, and has been identified in 1/3184 African America n chromosomes from a broad population by the NHLBI Exome Sequencing Project.